The following is an entry in ClinVar:

ClinVar aggregate classification (germline): Uncertain significance (1 of 4 stars; one submission).

gnomAD v4.1: 2 of 1,603,662 alleles (0.00012%); highest among the groups gnomAD compares: Non-Finnish European, 0.000085%; no homozygotes.

Submission:

GeneDx
Classification: Uncertain significance. Last evaluated: 2025-05-12. Review status: criteria provided, single submitter. Criteria: GeneDx Variant Classification Process June 2021. Collection method: clinical testing. Allele origin: germline. Affected: yes.
Comment: Not observed at significant frequency in large population cohorts (gnomAD); In silico analysis supports that this missense variant has a deleterious effect on protein structure/function; Has not been previously published as pathogenic or benign to our knowledge

NM_015557.3(CHD5):c.3406C>T (p.Arg1136Cys)

Gene: CHD5 (chromodomain helicase DNA binding protein 5; minus strand). Cytogenetic location: 1p36.31.
Variant type: single nucleotide variant.
Coding change: c.3406C>T on transcript NM_015557.3 (MANE Select); coding-DNA position 3406, C replaced by T.
Protein change: p.Arg1136Cys; replaces arginine 1136 with cysteine.
Molecular consequence: missense variant.
Genome position (GRCh38, 1-based): chr1:6,129,051, G>A on the plus strand (C>T on the coding strand, the complement: CHD5 is on the minus strand). VCF-style: chr1-6129051-G-A. GRCh37 (hg19) VCF-style: chr1-6189111-G-A.
Other names: short protein forms R1136C.
Identifiers: ClinVar variation 4529808 (VCV004529808.1).